The following is an entry in ClinVar:

ClinVar aggregate classification (germline): Conflicting classifications of pathogenicity. Review status: criteria provided, conflicting classifications (1 of 4 stars). 3 submissions from 3 submitters: Uncertain significance (2); Likely benign (1). Last evaluated 2024-07-12.

Conditions:
Inborn genetic diseases. Identifiers: MedGen C0950123, MeSH D030342.

Allele frequency attached by ClinVar (database versions not stated): ExAC 0.00007; gnomAD exomes 0.00008; gnomAD 0.00009; TOPMed 0.00009; ESP Exome Variant Server 0.00015; 1000 Genomes Project 30x 0.00016; 1000 Genomes Project 0.00020.
gnomAD v4.1: 68 of 1,613,752 alleles (0.0042%); highest among the groups gnomAD compares: Admixed American, 0.022%; no homozygotes.

Submissions (3):

Women's Health and Genetics/Laboratory Corporation of America, LabCorp
Classification: Uncertain significance. Last evaluated: 2024-07-12. Review status: criteria provided, single submitter. Criteria: LabCorp Variant Classification Summary - May 2015. Collection method: clinical testing. Allele origin: germline.
Comment: Variant summary: PRKCG c.1738C>T (p.Arg580Trp) results in a non-conservative amino acid change located in the Protein kinase domain (IPR000719) of the encoded protein sequence. Four of five in-silico tools predict a damaging effect of the variant on protein function. The variant allele was found at a frequency of 7.6e-05 in 250754 control chromosomes. This frequency is not significantly higher than estimated for a pathogenic variant in PRKCG causing Spinocerebellar Ataxia 14, allowing no conclusion about variant significance. To our knowledge, no occurrence of c.1738C>T in individuals affected with Spinocerebellar Ataxia 14 and no experimental evidence demonstrating its impact on protein function have been reported. ClinVar contains an entry for this variant (Variation ID: 994942). Based on the evidence outlined above, the variant was classified as uncertain significance.

Ambry Genetics
Classification: Uncertain significance for Inborn genetic diseases. Last evaluated: 2022-09-14. Review status: criteria provided, single submitter. Criteria: Ambry Variant Classification Scheme 2023. Collection method: clinical testing. Allele origin: germline.

Athena Diagnostics
Classification: Likely benign. Last evaluated: 2020-01-02. Review status: criteria provided, single submitter. Criteria: Athena Diagnostics Criteria. Collection method: clinical testing. Allele origin: unknown.

NM_002739.5(PRKCG):c.1738C>T (p.Arg580Trp)

Gene: PRKCG (protein kinase C gamma; plus strand). Cytogenetic location: 19q13.42.
Variant type: single nucleotide variant.
Coding change: c.1738C>T on transcript NM_002739.5 (MANE Select); coding-DNA position 1738, C replaced by T.
Protein change: p.Arg580Trp; replaces arginine 580 with tryptophan.
Molecular consequence: missense variant.
Genome position (GRCh38, 1-based): chr19:53,904,716, C>T. VCF-style: chr19-53904716-C-T. GRCh37 (hg19) VCF-style: chr19-54407970-C-T.
Other names: c.1738C>T, p.Arg580Trp (NM_001316329.2); short protein forms R580W.
Identifiers: ClinVar variation 994942 (VCV000994942.5), dbSNP rs149266855, ClinGen allele CA9640687.
Genomic context (GRCh38, chr19:53,904,716, plus strand): 5'-GAGGAGGAGCTGTTTCAGGCCATCATGGAACAAACTGTCACCTACCCCAAGTCGCTTTCC[C>T]GGGAAGCCGTGGCCATCTGCAAGGGGGTGAGAGCCCCCTGACTCCCAGCTTCTCCAGGCT-3'
Protein context (NP_002730.1, residues 570-590): QTVTYPKSLS[Arg580Trp]EAVAICKGFL